The following is an entry in ClinVar:

NM_025233.7(COASY):c.1486-9T>C

Gene: COASY (Coenzyme A synthase; plus strand). Cytogenetic location: 17q21.2.
Variant type: single nucleotide variant.
Coding change: c.1486-9T>C on transcript NM_025233.7 (MANE Select); 9 bases into the intron before coding-DNA position 1486, T replaced by C.
Molecular consequence: intron variant.
Genome position (GRCh38, 1-based): chr17:42,565,650, T>C. VCF-style: chr17-42565650-T-C. GRCh37 (hg19) VCF-style: chr17-40717668-T-C.
Other names: c.1573-9T>C (NM_001042532.4); c.1486-9T>C (NM_001042529.3).
Identifiers: ClinVar variation 2117538 (VCV002117538.4), dbSNP rs2093000237, ClinGen allele CA2576276312.

ClinVar aggregate classification (germline): Uncertain significance (1 of 4 stars; one submission).

Conditions:
Neurodegeneration with brain iron accumulation 6 (NBIA6). Also called: COASY protein-associated neurodegeneration. Identifiers: Orphanet 397725, MedGen C4517377, MONDO:0014290, OMIM 615643.

Submission:

Labcorp Genetics (formerly Invitae), Labcorp
Classification: Uncertain significance for Neurodegeneration with brain iron accumulation 6. Last evaluated: 2022-03-26. Review status: criteria provided, single submitter. Criteria: Invitae Variant Classification Sherloc (09022015). Collection method: clinical testing. Allele origin: germline.
Comment: In summary, the available evidence is currently insufficient to determine the role of this variant in disease. Therefore, it has been classified as a Variant of Uncertain Significance. Algorithms developed to predict the effect of sequence changes on RNA splicing suggest that this variant may create or strengthen a splice site. This variant has not been reported in the literature in individuals affected with COASY-related conditions. This variant is not present in population databases (gnomAD no frequency). This sequence change falls in intron 7 of the COASY gene. It does not directly change the encoded amino acid sequence of the COASY protein.